The following is an entry in ClinVar:

ClinVar aggregate classification (germline): Likely pathogenic (1 of 4 stars; one submission).

Conditions:
Gaze palsy, familial horizontal, with progressive scoliosis 1 (HGPPS1). Identifiers: Orphanet 2744, MedGen C4551964, MONDO:0020790, OMIM 607313.

Submission:

Institute of Human Genetics, University of Leipzig Medical Center
Classification: Likely pathogenic for Gaze palsy, familial horizontal, with progressive scoliosis 1. Last evaluated: 2021-01-09. Review status: criteria provided, single submitter. Criteria: ACMG Guidelines, 2015. Collection method: curation. Allele origin: germline. Inheritance: Autosomal recessive inheritance. Affected: yes.
Comment: This ROBO3 variant was reported as Pathogenicâ€‹ in PMID: 18829051 with original nomenclature reported as c.335G>C, R112P. Variant was re-classified as Likely Pathogenic based on the criteria PM1_Moderate, PM2_Supporting, PM3_Moderate, PP3_Supporting, PP4_Supporting.

Literature cited by the submitters: PubMed 18829051.

NM_022370.4(ROBO3):c.335G>C (p.Arg112Pro)

Gene: ROBO3 (roundabout guidance receptor 3; plus strand). Cytogenetic location: 11q24.2.
Variant type: single nucleotide variant.
Coding change: c.335G>C on transcript NM_022370.4 (MANE Select); coding-DNA position 335, G replaced by C.
Protein change: p.Arg112Pro; replaces arginine 112 with proline.
Molecular consequence: missense variant.
Genome position (GRCh38, 1-based): chr11:124,868,976, G>C. VCF-style: chr11-124868976-G-C. GRCh37 (hg19) VCF-style: chr11-124738872-G-C.
Other names: short protein forms R112P.
Identifiers: ClinVar variation 996119 (VCV000996119.1), dbSNP rs1946241537, ClinGen allele CA383134563.
Genomic context (GRCh38, chr11:124,868,976, plus strand): 5'-GACCCAACATTGAGTGGTACAAGAACGGGGCGCGTGTGGCCACTGTGCGGGAGGATCCGC[G>C]TGCGCACCGCCTGCTGCTGCCCAGCGGCGCCCTCTTCTTCCCGCGCATCGTGCACGGGCG-3'
Protein context (NP_071765.2, residues 102-122): ARVATVREDP[Arg112Pro]AHRLLLPSGA